The following is an entry in ClinVar:

NM_005120.3(MED12):c.5366G>T (p.Gly1789Val)

Gene: MED12 (mediator complex subunit 12; plus strand). Cytogenetic location: Xq13.1.
Variant type: single nucleotide variant.
Coding change: c.5366G>T on transcript NM_005120.3 (MANE Select); coding-DNA position 5366, G replaced by T.
Protein change: p.Gly1789Val; replaces glycine 1789 with valine.
Molecular consequence: missense variant.
Genome position (GRCh38, 1-based): chrX:71,136,621, G>T. VCF-style: chrX-71136621-G-T. GRCh37 (hg19) VCF-style: chrX-70356471-G-T.
Other names: short protein forms G1789V.
Identifiers: ClinVar variation 2450604 (VCV002450604.2), dbSNP rs2147827073, ClinGen allele CA413535154.

ClinVar aggregate classification (germline): Uncertain significance (1 of 4 stars; one submission).

Conditions:
Familial thoracic aortic aneurysm and aortic dissection (TAAD). Also called: Thoracic aortic aneurysms and dissections. Identifiers: Orphanet 91387, MedGen C4707243, MONDO:0019625.

Submission:

Ambry Genetics
Classification: Uncertain significance for Familial thoracic aortic aneurysm and aortic dissection. Last evaluated: 2023-01-05. Review status: criteria provided, single submitter. Criteria: Ambry Variant Classification Scheme 2023. Collection method: clinical testing. Allele origin: germline.
Comment: The p.G1789V variant (also known as c.5366G>T), located in coding exon 37 of the MED12 gene, results from a G to T substitution at nucleotide position 5366. The glycine at codon 1789 is replaced by valine, an amino acid with dissimilar properties. This amino acid position is conserved. In addition, this alteration is predicted to be tolerated by in silico analysis. Since supporting evidence is limited at this time, the clinical significance of this alteration remains unclear.